The following is an entry in ClinVar:

ClinVar aggregate classification (germline): Conflicting classifications of pathogenicity. Review status: criteria provided, conflicting classifications (1 of 4 stars). 3 submissions from 3 submitters: Likely pathogenic (1); Uncertain significance (2). Last evaluated 2025-06-11.

Conditions:
COL7A1-related disorder. Also called: COL7A1- related disorders; COL7A1-related condition.

Allele frequency attached by ClinVar (database versions not stated): gnomAD 0.00001.
gnomAD v4.1: 7 of 1,613,542 alleles (0.00043%); highest among the groups gnomAD compares: East Asian, 0.0022%; no homozygotes.

Submissions (3):

Labcorp Genetics (formerly Invitae), Labcorp
Classification: Uncertain significance. Last evaluated: 2025-06-11. Review status: criteria provided, single submitter. Criteria: Invitae Variant Classification Sherloc (09022015). Collection method: clinical testing. Allele origin: germline.
Comment: This sequence change replaces glycine, which is neutral and non-polar, with serine, which is neutral and polar, at codon 2398 of the COL7A1 protein (p.Gly2398Ser). This variant is present in population databases (no rsID available, gnomAD 0.004%). This variant has not been reported in the literature in individuals affected with COL7A1-related conditions. ClinVar contains an entry for this variant (Variation ID: 1445810). Invitae Evidence Modeling of protein sequence and biophysical properties (such as structural, functional, and spatial information, amino acid conservation, physicochemical variation, residue mobility, and thermodynamic stability) indicates that this missense variant is expected to disrupt COL7A1 protein function with a positive predictive value of 95%. This variant disrupts the triple helix domain of COL7A1. Glycine residues within the Gly-Xaa-Yaa repeats of the triple helix domain are required for the structure and stability of fibrillar collagens (PMID: 7695699, 8218237, 19344236), and variants at these glycine residues in COL7A1 are more frequently observed in individuals with disease than in the general population (PMID: 22058051). However, the clinical significance of this observation remains uncertain since only a limited number of affected individuals have been described to date. In summary, the available evidence is currently insufficient to determine the role of this variant in disease. Therefore, it has been classified as a Variant of Uncertain Significance.

PreventionGenetics, part of Exact Sciences
Classification: Likely pathogenic for COL7A1-related condition. Last evaluated: 2025-04-11. Review status: criteria provided, single submitter. Criteria: ACMG Guidelines, 2015. Collection method: clinical testing. Allele origin: germline.
Comment: The COL7A1 c.7192G>A variant is predicted to result in the amino acid substitution p.Gly2398Ser. To our knowledge, this variant has not been reported in the literature. The amino acid p.Gly2398 resides within the triple helical domain of the COL7A1 protein (amino acids 1254-2784). Glycine substitutions within this domain affect the folding and secretion of type VII collagen, and pathogenic variants altering glycine residues have been reported in individuals with COL7A1-related disorders (Dang and Murrell. 2008. PubMed ID: 18558993; Abu Sa'd et al. 2006. PubMed ID: 16439963; Almaani et al. 2011. PubMed ID: 21448560; Vahidnezhad et al. 2017. PubMed ID: 27899325). This variant is reported in 0.0041% of alleles in individuals of African descent in gnomAD. This variant is interpreted as likely pathogenic.

Breakthrough Genomics
Classification: Uncertain significance. Review status: criteria provided, single submitter. Criteria: ACMG Guidelines, 2015. Collection method: not provided. Allele origin: germline. Inheritance: Autosomal recessive inheritance. Affected: yes.

Literature cited by the submitters: PubMed 7695699 (cited by Labcorp Genetics (formerly Invitae), Labcorp); PubMed 8218237 (cited by Labcorp Genetics (formerly Invitae), Labcorp); PubMed 19344236 (cited by Labcorp Genetics (formerly Invitae), Labcorp); PubMed 22058051 (cited by Labcorp Genetics (formerly Invitae), Labcorp).

NM_000094.4(COL7A1):c.7192G>A (p.Gly2398Ser)

Gene: COL7A1 (collagen type VII alpha 1 chain; minus strand). Cytogenetic location: 3p21.31.
Variant type: single nucleotide variant.
Coding change: c.7192G>A on transcript NM_000094.4 (MANE Select); coding-DNA position 7192, G replaced by A.
Protein change: p.Gly2398Ser; replaces glycine 2398 with serine.
Molecular consequence: missense variant.
Genome position (GRCh38, 1-based): chr3:48,570,941, C>T on the plus strand (G>A on the coding strand, the complement: COL7A1 is on the minus strand). VCF-style: chr3-48570941-C-T. GRCh37 (hg19) VCF-style: chr3-48608374-C-T.
Other names: c.7192G>A (NM_000094.3); short protein forms G2398S.
Identifiers: ClinVar variation 1445810 (VCV001445810.9), dbSNP rs755361003, ClinGen allele CA352650527.